The following is an entry in ClinVar:

ClinVar aggregate classification (germline): Uncertain significance. Review status: criteria provided, multiple submitters, no conflicts (2 of 4 stars). 3 submissions from 3 submitters: Uncertain significance (3). Last evaluated 2024-03-02.

Conditions:
Cardiovascular phenotype. Identifiers: MedGen CN230736.
Alstrom syndrome (ALMS). Identifiers: Orphanet 64, MedGen C0268425, MONDO:0008763, OMIM 203800.

gnomAD v4.1: 5 of 1,612,200 alleles (0.00031%); highest among the groups gnomAD compares: Admixed American, 0.0017%; no homozygotes.

Submissions (3):

Labcorp Genetics (formerly Invitae), Labcorp
Classification: Uncertain significance for Alstrom syndrome. Last evaluated: 2024-03-02. Review status: criteria provided, single submitter. Criteria: Invitae Variant Classification Sherloc (09022015). Collection method: clinical testing. Allele origin: germline.
Comment: This sequence change replaces arginine, which is basic and polar, with glutamine, which is neutral and polar, at codon 1819 of the ALMS1 protein (p.Arg1819Gln). This variant is present in population databases (rs200925575, gnomAD 0.003%). This variant has not been reported in the literature in individuals affected with ALMS1-related conditions. ClinVar contains an entry for this variant (Variation ID: 1687689). Experimental studies and prediction algorithms are not available or were not evaluated, and the functional significance of this variant is currently unknown. In summary, the available evidence is currently insufficient to determine the role of this variant in disease. Therefore, it has been classified as a Variant of Uncertain Significance.

Ambry Genetics
Classification: Uncertain significance for Cardiovascular phenotype. Last evaluated: 2023-05-18. Review status: criteria provided, single submitter. Criteria: Ambry Variant Classification Scheme 2023. Collection method: clinical testing. Allele origin: germline.
Comment: The p.R1819Q variant (also known as c.5456G>A), located in coding exon 8 of the ALMS1 gene, results from a G to A substitution at nucleotide position 5456. The arginine at codon 1819 is replaced by glutamine, an amino acid with highly similar properties. This amino acid position is poorly conserved in available vertebrate species. In addition, this alteration is predicted to be tolerated by in silico analysis. Since supporting evidence is limited at this time, the clinical significance of this alteration remains unclear.

GeneDx
Classification: Uncertain significance. Last evaluated: 2021-11-29. Review status: criteria provided, single submitter. Criteria: GeneDx Variant Classification Process June 2021. Collection method: clinical testing. Allele origin: germline. Affected: yes.
Comment: Not observed at significant frequency in large population cohorts (gnomAD); In silico analysis supports that this missense variant does not alter protein structure/function; Has not been previously published as pathogenic or benign to our knowledge

NM_001378454.1(ALMS1):c.5453G>A (p.Arg1818Gln)

Gene: ALMS1 (ALMS1 centrosome and basal body associated protein; plus strand). Cytogenetic location: 2p13.1.
Variant type: single nucleotide variant.
Coding change: c.5453G>A on transcript NM_001378454.1 (MANE Select); coding-DNA position 5453, G replaced by A.
Protein change: p.Arg1818Gln; replaces arginine 1818 with glutamine.
Molecular consequence: missense variant.
Genome position (GRCh38, 1-based): chr2:73,451,980, G>A. VCF-style: chr2-73451980-G-A. GRCh37 (hg19) VCF-style: chr2-73679107-G-A.
Other names: c.5456G>A, p.Arg1819Gln (NM_015120.4); short protein forms R1818Q, R1819Q.
Identifiers: ClinVar variation 1687689 (VCV001687689.8), dbSNP rs200925575, ClinGen allele CA1713887.